The following is an entry in ClinVar:

NM_001305581.2(LRMDA):c.602-8A>T

Gene: LRMDA (leucine rich melanocyte differentiation associated; plus strand). Cytogenetic location: 10q22.3.
Variant type: single nucleotide variant.
Coding change: c.602-8A>T on transcript NM_001305581.2 (MANE Select); 8 bases into the intron before coding-DNA position 602, A replaced by T.
Molecular consequence: intron variant.
Genome position (GRCh38, 1-based): chr10:76,557,201, A>T. VCF-style: chr10-76557201-A-T. GRCh37 (hg19) VCF-style: chr10-78316959-A-T.
Other names: c.518-8A>T (NM_032024.5, NM_032024.4).
Identifiers: ClinVar variation 284035 (VCV000284035.10), dbSNP rs565236615, ClinGen allele CA5567690.

ClinVar aggregate classification (germline): Conflicting classifications of pathogenicity. Review status: criteria provided, conflicting classifications (1 of 4 stars). 3 submissions from 3 submitters: Uncertain significance (1); Likely benign (2). Last evaluated 2026-08-18.

Conditions:
LRMDA-related disorder. Also called: LRMDA-related condition.

Allele frequency attached by ClinVar (database versions not stated): TOPMed 0.00006; 1000 Genomes Project 30x 0.00016; 1000 Genomes Project 0.00020; gnomAD 0.00001 and 0.00002; ExAC 0.00003; gnomAD exomes 0.00004.
gnomAD v4.1: 56 of 1,612,142 alleles (0.0035%); highest among the groups gnomAD compares: East Asian, 0.12%; no homozygotes.

Submissions (3):

PreventionGenetics, part of Exact Sciences
Classification: Likely benign for LRMDA-related condition. Last evaluated: 2026-08-18. Review status: criteria provided, single submitter. Criteria: ACMG Guidelines, 2015. Collection method: clinical testing. Allele origin: germline.
Comment: This variant is classified as likely benign based on ACMG/AMP sequence variant interpretation guidelines (Richards et al. 2015 PMID: 25741868, with internal and published modifications).

Labcorp Genetics (formerly Invitae), Labcorp
Classification: Likely benign. Last evaluated: 2024-03-12. Review status: criteria provided, single submitter. Criteria: Invitae Variant Classification Sherloc (09022015). Collection method: clinical testing. Allele origin: germline.

Eurofins Ntd Llc (ga)
Classification: Uncertain significance. Last evaluated: 2015-11-09. Review status: criteria provided, single submitter. Criteria: EGL Classification Definitions 2015. Collection method: clinical testing. Allele origin: germline. Observed: 1 variant allele, 1 heterozygote.